The following is an entry in ClinVar:

NM_181552.4(CUX1):c.820C>T (p.Pro274Ser)

Gene: CUX1 (cut like homeobox 1; plus strand). Cytogenetic location: 7q22.1.
Variant type: single nucleotide variant.
Coding change: c.820C>T on transcript NM_181552.4 (MANE Select); coding-DNA position 820, C replaced by T.
Protein change: p.Pro274Ser; replaces proline 274 with serine.
Molecular consequence: missense variant.
Genome position (GRCh38, 1-based): chr7:102,170,542, C>T. VCF-style: chr7-102170542-C-T. GRCh37 (hg19) VCF-style: chr7-101813822-C-T.
Other names: c.853C>T, p.Pro285Ser (NM_001202543.2, NM_001913.5, NM_181500.4); c.805C>T, p.Pro269Ser (NM_001202544.3); c.715C>T, p.Pro239Ser (NM_001202545.3); c.742C>T, p.Pro248Ser (NM_001202546.3); short protein forms P274S, P269S, P285S, P239S, P248S.
Identifiers: ClinVar variation 4995465 (VCV004995465.1).
Genomic context (GRCh38, chr7:102,170,542, plus strand): 5'-AGGGAACAGCTCTCATCGGCCAATCACTCCCTCCAGCTGGCCTCACAGATCCAGAAGGCA[C>T]CAGACGTGGTGGGTAGCCCCGGCCCCGTGGGGGACTGTCCCCGCCTGGCCTCCGCACCTT-3'
Protein context (NP_853530.2, residues 264-284): LQLASQIQKA[Pro274Ser]DVEQAIEVLT

ClinVar aggregate classification (germline): Uncertain significance (1 of 4 stars; one submission).

Conditions:
CUX1-related disorder. Also called: CUX1-related condition.

Submission:

PreventionGenetics, part of Exact Sciences
Classification: Uncertain significance for CUX1-related condition. Last evaluated: 2025-10-03. Review status: criteria provided, single submitter. Criteria: ACMG Guidelines, 2015. Collection method: clinical testing. Allele origin: germline.
Comment: The CUX1 c.853C>T variant is predicted to result in the amino acid substitution p.Pro285Ser. To our knowledge, this variant has not been reported in the literature or in a large population database (gnomAD), indicating this variant is rare. At this time, the clinical significance of this variant is uncertain due to the absence of conclusive functional and genetic evidence.